The following is an entry in ClinVar:

ClinVar aggregate classification (germline): Uncertain significance. Review status: criteria provided, multiple submitters, no conflicts (2 of 4 stars). 2 submissions from 2 submitters: Uncertain significance (2). Last evaluated 2024-12-28.

Conditions:
Primary familial hypertrophic cardiomyopathy (HCM). Identifiers: Orphanet 99739, MedGen C0949658, MeSH D024741, MONDO:0024573. Inheritance: Various modes of inheritance.
Dilated cardiomyopathy 1AA (CMD1AA). Also called: Cardiomyopathy, dilated, 1AA, with or without LVNC; CARDIOMYOPATHY, DILATED, 1AA, WITH OR WITHOUT LEFT VENTRICULAR NONCOMPACTION; CARDIOMYOPATHY, FAMILIAL HYPERTROPHIC, 23, WITH OR WITHOUT LEFT VENTRICULAR NONCOMPACTION. Identifiers: Orphanet 154, MedGen C2677338, MONDO:0012808, OMIM 612158.
Cardiovascular phenotype. Identifiers: MedGen CN230736.

Submissions (2):

Labcorp Genetics (formerly Invitae), Labcorp
Classification: Uncertain significance for Primary familial hypertrophic cardiomyopathy; Dilated cardiomyopathy 1AA. Last evaluated: 2024-12-28. Review status: criteria provided, single submitter. Criteria: Invitae Variant Classification Sherloc (09022015). Collection method: clinical testing. Allele origin: germline.
Comment: This sequence change replaces methionine, which is neutral and non-polar, with valine, which is neutral and non-polar, at codon 133 of the ACTN2 protein (p.Met133Val). This variant is present in population databases (no rsID available, gnomAD 0.004%). This variant has not been reported in the literature in individuals affected with ACTN2-related conditions. Invitae Evidence Modeling of protein sequence and biophysical properties (such as structural, functional, and spatial information, amino acid conservation, physicochemical variation, residue mobility, and thermodynamic stability) indicates that this missense variant is expected to disrupt ACTN2 protein function with a positive predictive value of 80%. In summary, the available evidence is currently insufficient to determine the role of this variant in disease. Therefore, it has been classified as a Variant of Uncertain Significance.

Ambry Genetics
Classification: Uncertain significance for Cardiovascular phenotype. Last evaluated: 2024-03-27. Review status: criteria provided, single submitter. Criteria: Ambry Variant Classification Scheme 2023. Collection method: clinical testing. Allele origin: germline.
Comment: The p.M133V variant (also known as c.397A>G), located in coding exon 4 of the ACTN2 gene, results from an A to G substitution at nucleotide position 397. The methionine at codon 133 is replaced by valine, an amino acid with highly similar properties. This amino acid position is conserved. In addition, this alteration is predicted to be deleterious by in silico analysis. Based on the available evidence, the clinical significance of this alteration remains unclear.

NM_001103.4(ACTN2):c.397A>G (p.Met133Val)

Gene: ACTN2 (actinin alpha 2; plus strand). Cytogenetic location: 1q43.
Variant type: single nucleotide variant.
Coding change: c.397A>G on transcript NM_001103.4 (MANE Select); coding-DNA position 397, A replaced by G.
Protein change: p.Met133Val; replaces methionine 133 with valine.
Molecular consequence: missense variant. On other transcripts: non-coding transcript variant (1).
Genome position (GRCh38, 1-based): chr1:236,720,140, A>G. VCF-style: chr1-236720140-A-G. GRCh37 (hg19) VCF-style: chr1-236883440-A-G.
Other names: c.397A>G, p.Met133Val (NM_001278343.2); short protein forms M133V.
Identifiers: ClinVar variation 3264243 (VCV003264243.2).